The following is an entry in ClinVar:

NM_001077653.2(TBX20):c.1084C>T (p.Pro362Ser)

Gene: TBX20 (T-box transcription factor 20; minus strand). Cytogenetic location: 7p14.2.
Variant type: single nucleotide variant.
Coding change: c.1084C>T on transcript NM_001077653.2 (MANE Select); coding-DNA position 1084, C replaced by T.
Protein change: p.Pro362Ser; replaces proline 362 with serine.
Molecular consequence: missense variant.
Genome position (GRCh38, 1-based): chr7:35,202,690, G>A on the plus strand (C>T on the coding strand, the complement: TBX20 is on the minus strand). VCF-style: chr7-35202690-G-A. GRCh37 (hg19) VCF-style: chr7-35242302-G-A.
Other names: short protein forms P362S.
Identifiers: ClinVar variation 2585865 (VCV002585865.2), dbSNP rs2546980985, ClinGen allele CA367263240.

ClinVar aggregate classification (germline): Uncertain significance (1 of 4 stars; one submission).

Conditions:
Cardiovascular phenotype. Identifiers: MedGen CN230736.

Submission:

Ambry Genetics
Classification: Uncertain significance for Cardiovascular phenotype. Last evaluated: 2023-09-25. Review status: criteria provided, single submitter. Criteria: Ambry Variant Classification Scheme 2023. Collection method: clinical testing. Allele origin: germline.
Comment: The p.P362S variant (also known as c.1084C>T), located in coding exon 8 of the TBX20 gene, results from a C to T substitution at nucleotide position 1084. The proline at codon 362 is replaced by serine, an amino acid with similar properties. This amino acid position is conserved. In addition, the in silico prediction for this alteration is inconclusive. Since supporting evidence is limited at this time, the clinical significance of this alteration remains unclear.